The following is an entry in ClinVar:

NM_000138.5(FBN1):c.14G>A (p.Arg5His)

Gene: FBN1 (fibrillin 1; minus strand). Cytogenetic location: 15q21.1.
Variant type: single nucleotide variant.
Coding change: c.14G>A on transcript NM_000138.5 (MANE Select); coding-DNA position 14, G replaced by A.
Protein change: p.Arg5His; replaces arginine 5 with histidine.
Molecular consequence: missense variant.
Genome position (GRCh38, 1-based): chr15:48,644,756, C>T on the plus strand (G>A on the coding strand, the complement: FBN1 is on the minus strand). VCF-style: chr15-48644756-C-T. GRCh37 (hg19) VCF-style: chr15-48936953-C-T.
Other names: c.14G>A, p.Arg5His (NM_001406716.1, NM_001406717.1, NM_001406718.1); short protein forms R5H.
Identifiers: ClinVar variation 5021582 (VCV005021582.1).

ClinVar aggregate classification (germline): Uncertain significance (1 of 4 stars; one submission).

Conditions:
Familial thoracic aortic aneurysm and aortic dissection (TAAD). Also called: Thoracic aortic aneurysms and dissections. Identifiers: Orphanet 91387, MedGen C4707243, MONDO:0019625.

gnomAD v4.1: 1 of 1,611,348 alleles (0.000062%); highest among the groups gnomAD compares: Non-Finnish European, 0.000085%; no homozygotes.

Submission:

Ambry Genetics
Classification: Uncertain significance for Familial thoracic aortic aneurysm and aortic dissection. Last evaluated: 2026-07-07. Review status: criteria provided, single submitter. Criteria: Ambry Variant Classification Scheme 2023. Collection method: clinical testing. Allele origin: germline.
Comment: The p.R5H variant (also known as c.14G>A), located in coding exon 1 of the FBN1 gene, results from a G to A substitution at nucleotide position 14. The arginine at codon 5 is replaced by histidine, an amino acid with highly similar properties. This amino acid position is conserved. In addition, this alteration is predicted to be tolerated by in silico analysis. Based on the available evidence, the clinical significance of this variant remains unclear.